The following is an entry in ClinVar:

ClinVar aggregate classification (germline): Uncertain significance. Review status: criteria provided, multiple submitters, no conflicts (2 of 4 stars). 2 submissions from 2 submitters: Uncertain significance (2). Last evaluated 2024-08-15.

Conditions:
PHGDH deficiency. Identifiers: Orphanet 79351, MedGen C1866174, MONDO:0011152, OMIM 601815.
Inborn genetic diseases. Identifiers: MedGen C0950123, MeSH D030342.

Allele frequency attached by ClinVar (database versions not stated): gnomAD 0.00001; ExAC 0.00002; gnomAD exomes 0.00002 and 0.00003; TOPMed 0.00003; ESP Exome Variant Server 0.00008.
gnomAD v4.1: 41 of 1,613,976 alleles (0.0025%); highest among the groups gnomAD compares: African/African-American, 0.0053%; no homozygotes.

Submissions (2):

Ambry Genetics
Classification: Uncertain significance for Inborn genetic diseases. Last evaluated: 2024-08-15. Review status: criteria provided, single submitter. Criteria: Ambry Variant Classification Scheme 2023. Collection method: clinical testing. Allele origin: germline.

Labcorp Genetics (formerly Invitae), Labcorp
Classification: Uncertain significance for PHGDH deficiency. Last evaluated: 2022-07-10. Review status: criteria provided, single submitter. Criteria: Invitae Variant Classification Sherloc (09022015). Collection method: clinical testing. Allele origin: germline.
Comment: This sequence change replaces serine, which is neutral and polar, with leucine, which is neutral and non-polar, at codon 183 of the PHGDH protein (p.Ser183Leu). This variant is present in population databases (rs376632509, gnomAD 0.003%). This variant has not been reported in the literature in individuals affected with PHGDH-related conditions. ClinVar contains an entry for this variant (Variation ID: 1522956). Algorithms developed to predict the effect of missense changes on protein structure and function are either unavailable or do not agree on the potential impact of this missense change (SIFT: "Tolerated"; PolyPhen-2: "Possibly Damaging"; Align-GVGD: "Class C0"). In summary, the available evidence is currently insufficient to determine the role of this variant in disease. Therefore, it has been classified as a Variant of Uncertain Significance.

NM_006623.4(PHGDH):c.548C>T (p.Ser183Leu)

Gene: PHGDH (phosphoglycerate dehydrogenase; plus strand). Cytogenetic location: 1p12.
Variant type: single nucleotide variant.
Coding change: c.548C>T on transcript NM_006623.4 (MANE Select); coding-DNA position 548, C replaced by T.
Protein change: p.Ser183Leu; replaces serine 183 with leucine.
Molecular consequence: missense variant.
Genome position (GRCh38, 1-based): chr1:119,734,671, C>T. VCF-style: chr1-119734671-C-T. GRCh37 (hg19) VCF-style: chr1-120277294-C-T.
Other names: c.548C>T (NM_006623.3); short protein forms S183L.
Identifiers: ClinVar variation 1522956 (VCV001522956.6), dbSNP rs376632509, ClinGen allele CA1037142.